The following is an entry in ClinVar:

NM_003072.5(SMARCA4):c.2472G>A (p.Lys824=)

Gene: SMARCA4 (SWI/SNF related BAF chromatin remodeling complex subunit ATPase 4; plus strand). Cytogenetic location: 19p13.2.
Variant type: single nucleotide variant.
Coding change: c.2472G>A on transcript NM_003072.5 (MANE Select); coding-DNA position 2472, G replaced by A.
Protein change: p.Lys824=; no amino-acid change (lysine 824 retained).
Molecular consequence: synonymous variant. On other transcripts: non-coding transcript variant (1).
Genome position (GRCh38, 1-based): chr19:11,018,990, G>A. VCF-style: chr19-11018990-G-A. GRCh37 (hg19) VCF-style: chr19-11129666-G-A.
Other names: c.2472G>A, p.Lys824= (NM_001128844.3, NM_001128845.2, NM_001128846.2 and 6 more transcripts).
Identifiers: ClinVar variation 5042089 (VCV005042089.1).
Genomic context (GRCh38, chr19:11,018,990, plus strand): 5'-TTGACTCTCATTTCCTTGTTCCATCAGAACGCTGTCCAACTGGGCGTACGAGTTTGACAA[G>A]TGGGCCCCCTCCGTGGTGAAGGTGTCTTACAAGGTAGGTCACAGCCACTGAGGTTTCCTC-3'
Protein context (NP_003063.2, residues 814-834): TLSNWAYEFD[Lys824=]WAPSVVKVSY

ClinVar aggregate classification (germline): Benign (1 of 4 stars; one submission).

Conditions:
Rhabdoid tumor predisposition syndrome 2 (RTPS2). Identifiers: Orphanet 231108, Orphanet 69077, MedGen C2750074, MONDO:0013224, OMIM 613325.

Submission:

Myriad Genetics, Inc.
Classification: Benign for Rhabdoid tumor predisposition syndrome 2. Last evaluated: 2026-07-13. Review status: criteria provided, single submitter. Criteria: Myriad Autosomal Dominant, Autosomal Recessive and X-Linked Classification Criteria (2023). Collection method: clinical testing. Allele origin: unknown.
Comment: This variant is considered benign. This variant is a silent/synonymous amino acid change and it is not expected to impact splicing.